The following is an entry in ClinVar:

ClinVar aggregate classification (germline): Likely pathogenic (1 of 4 stars; one submission).

Conditions:
Autism spectrum disorder due to AUTS2 deficiency (MRD26). Also called: INTELLECTUAL DEVELOPMENTAL DISORDER, AUTOSOMAL DOMINANT 26. Identifiers: Orphanet 352490, MedGen C4014435, MONDO:0014361, OMIM 615834.

Submission:

Department of Human Genetics, Hannover Medical School
Classification: Likely pathogenic for Autism spectrum disorder due to AUTS2 deficiency. Last evaluated: 2022-10-13. Review status: criteria provided, single submitter. Criteria: ACMG Guidelines, 2015. Collection method: clinical testing. Allele origin: germline. Affected: yes.
Comment: The variant is not yet known in the Clinvar and LOVD variant databases or in the literature. It is also not listed in the population database gnomAD. It leads to a reading frame shift (frameshift) and subsequently to a premature stop codon, which usually results in degradation of the mRNA via nonsense-mediated mRNA decay (NMD) and/or expression of a truncated protein.

NM_015570.4(AUTS2):c.1647dup (p.Ile550fs)

Gene: AUTS2 (activator of transcription and developmental regulator AUTS2; plus strand). Cytogenetic location: 7q11.22.
Variant type: Duplication.
Coding change: c.1647dup on transcript NM_015570.4 (MANE Select); coding-DNA position 1647, one base duplicated (C; older notation c.1647dupC).
Protein change: p.Ile550fs; shifts the reading frame from isoleucine 550.
Molecular consequence: frameshift variant.
Genome position (GRCh38, 1-based): chr7:70,766,292, C duplicated; the last of 2 consecutive C bases (chr7:70,766,291-70,766,292); duplicating either gives the same sequence. VCF-style (leftmost placement, unchanged base first): chr7-70766290-G-GC. GRCh37 (hg19) VCF-style: chr7-70231276-G-GC.
Other names: c.1647dup, p.Ile550fs (NM_001127231.3); short protein forms I550fs.
Identifiers: ClinVar variation 1710136 (VCV001710136.1), dbSNP rs2484684324, ClinGen allele CA2580077350.